The following is an entry in ClinVar:

ClinVar aggregate classification (germline): Uncertain significance (3 of 4 stars; one submission).

Conditions:
Monogenic diabetes. Identifiers: Orphanet 183625, MedGen C3888631, MONDO:0015967.

Submission:

ClinGen Monogenic Diabetes Variant Curation Expert Panel
Classification: Uncertain significance for Monogenic diabetes. Last evaluated: 2024-05-09. Review status: reviewed by expert panel. Criteria: ClinGen Diabetes ACMG Specifications HNF4A V2.0.0. Collection method: curation. Allele origin: germline. Inheritance: Autosomal dominant inheritance.
Comment: The c.617T>C variant in the hepatocyte nuclear factor 4-alpha gene, HNF4A, causes an amino acid change of leucine to proline at codon 206 (p,Leu206Pro) of NM_175914.5. This variant is located within the ligand binding domain (codons 180-220) of HNF4A, which is defined as critical for the protein's function by the ClinGen MDEP (PM1_Supporting). It is also predicted to be deleterious by computational evidence, with a REVEL score of 0.981, which is greater than the MDEP VCEP threshold of 0.70 (PP3). This variant is absent in gnomAD v2.1.1 (PM2_Supporting). It was identified in two unrelated individuals with non-autoimmune and non-absolute/near-absolute insulin-deficient diabetes; however, PS4_Moderate cannot be applied because this number is below the ClinGen MDEP threshold (internal lab contributors). Additionally, the MODY probability is unable to be calculated due to age of diagnosis over 35 and lack of clinical information (internal lab contributors). In summary, c.617T>C meets the criteria to be classified as a variant of uncertain significance for monogenic diabetes. ACMG/AMP criteria applied, as specified by the ClinGen MDEP (specification version 2.0.0, approved 10/11/2023): PP3, PM1_Supporting, PM2_Supporting.

NM_175914.5(HNF4A):c.617T>C (p.Leu206Pro)

Gene: HNF4A (hepatocyte nuclear factor 4 alpha; plus strand). Cytogenetic location: 20q13.12.
Variant type: single nucleotide variant.
Coding change: c.617T>C on transcript NM_175914.5 (MANE Select); coding-DNA position 617, T replaced by C.
Protein change: p.Leu206Pro; replaces leucine 206 with proline.
Molecular consequence: missense variant.
Genome position (GRCh38, 1-based): chr20:44,418,459, T>C. VCF-style: chr20-44418459-T-C. GRCh37 (hg19) VCF-style: chr20-43047099-T-C.
Other names: NM_175914.5:c.617T>C; c.683T>C, p.Leu228Pro (NM_000457.6, NM_178849.3, NM_178850.3); c.617T>C, p.Leu206Pro (NM_001030003.3, NM_001030004.3); c.662T>C, p.Leu221Pro (NM_001258355.2); c.608T>C, p.Leu203Pro (NM_001287182.2, NM_001287183.2, NM_001287184.2); short protein forms L203P, L206P, L221P, L228P.
Identifiers: ClinVar variation 3238971 (VCV003238971.1), dbSNP rs2146438052.